The following is an entry in ClinVar:

NM_000426.4(LAMA2):c.1308T>G (p.Gly436=)

Gene: LAMA2 (laminin subunit alpha 2; plus strand). Cytogenetic location: 6q22.33.
Variant type: single nucleotide variant.
Coding change: c.1308T>G on transcript NM_000426.4 (MANE Select); coding-DNA position 1308, T replaced by G.
Protein change: p.Gly436=; no amino-acid change (glycine 436 retained).
Molecular consequence: synonymous variant.
Genome position (GRCh38, 1-based): chr6:129,177,707, T>G. VCF-style: chr6-129177707-T-G. GRCh37 (hg19) VCF-style: chr6-129498852-T-G.
Other names: p.Gly436=; c.1308T>G, p.Gly436= (NM_001079823.2).
Identifiers: ClinVar variation 211350 (VCV000211350.70), dbSNP rs41285286, ClinGen allele CA208610.

ClinVar aggregate classification (germline): Conflicting classifications of pathogenicity. Review status: criteria provided, conflicting classifications (1 of 4 stars). 12 submissions from 12 submitters: Uncertain significance (2); Likely benign (6). 4 of the submissions do not count toward it. Last evaluated 2026-03-01.

Conditions:
LAMA2-related disorder. Also called: LAMA2-related disorders; LAMA2-related condition.
Congenital muscular dystrophy due to partial LAMA2 deficiency. Identifiers: MedGen C1842898.
LAMA2-related muscular dystrophy (LAMA2-RD). Also called: Laminin alpha 2-related dystrophy. Identifiers: MedGen C5679788, MONDO:0100228.

Allele frequency attached by ClinVar (database versions not stated): 1000 Genomes Project 0.00080; 1000 Genomes Project 30x 0.00125; ExAC 0.00125; gnomAD exomes 0.00127; TOPMed 0.00155; ESP Exome Variant Server 0.00161; gnomAD 0.00162 and 0.00165.
gnomAD v4.1: 3,511 of 1,613,898 alleles (0.22%); highest among the groups gnomAD compares: Non-Finnish European, 0.28%; 3 homozygotes.

Submissions (12):

CeGaT Center for Human Genetics Tuebingen
Classification: Likely benign. Last evaluated: 2026-03-01. Review status: criteria provided, single submitter. Criteria: CeGaT Center For Human Genetics Tuebingen Variant Classification Criteria Version 2. Collection method: clinical testing. Allele origin: germline. Affected: yes. Observed: 6 variant alleles.
Comment: LAMA2: BP7

Labcorp Genetics (formerly Invitae), Labcorp
Classification: Likely benign for LAMA2-related muscular dystrophy. Last evaluated: 2026-01-27. Review status: criteria provided, single submitter. Criteria: Invitae Variant Classification Sherloc (09022015). Collection method: clinical testing. Allele origin: germline.

Blueprint Genetics
Classification: Likely benign. Last evaluated: 2024-09-25. Review status: criteria provided, single submitter. Criteria: ACMG Guidelines, 2015. Collection method: clinical testing. Allele origin: germline.

Mayo Clinic Laboratories, Mayo Clinic
Classification: Likely benign. Last evaluated: 2024-08-27. Review status: criteria provided, single submitter. Criteria: ACMG Guidelines, 2015. Collection method: clinical testing. Allele origin: germline. Observed: 11 variant alleles.

GeneDx
Classification: Uncertain significance. Last evaluated: 2023-11-13. Review status: criteria provided, single submitter. Criteria: GeneDx Variant Classification Process June 2021. Collection method: clinical testing. Allele origin: germline. Affected: yes.
Comment: In silico analysis is inconclusive as to whether the variant alters gene splicing. In the absence of RNA/functional studies, the actual effect of this sequence change is unknown.; Has not been previously published as pathogenic or benign to our knowledge

Illumina Laboratory Services, Illumina
Classification: Uncertain significance for Congenital muscular dystrophy due to partial LAMA2 deficiency. Last evaluated: 2018-01-12. Review status: criteria provided, single submitter. Criteria: ICSL Variant Classification Criteria 13 December 2019. Collection method: clinical testing. Allele origin: germline.

Athena Diagnostics
Classification: Likely benign. Last evaluated: 2017-04-18. Review status: criteria provided, single submitter. Criteria: Athena Diagnostics Criteria. Collection method: clinical testing. Allele origin: germline.

Genetic Services Laboratory, University of Chicago
Classification: Likely benign. Last evaluated: 2015-06-25. Review status: criteria provided, single submitter. Criteria: ACMG Guidelines, 2015. Collection method: clinical testing. Allele origin: germline.

PreventionGenetics, part of Exact Sciences
Classification: Likely benign for LAMA2-related condition. Last evaluated: 2019-04-12. Review status: no assertion criteria provided. Collection method: clinical testing. Allele origin: germline. Not counted in ClinVar's aggregate classification.
Comment: This variant is classified as likely benign based on ACMG/AMP sequence variant interpretation guidelines (Richards et al. 2015 PMID: 25741868, with internal and published modifications).

Clinical Genetics DNA and cytogenetics Diagnostics Lab, Erasmus MC, Erasmus Medical Center
Classification: Likely benign. Review status: no assertion criteria provided. Collection method: clinical testing. Allele origin: germline. Affected: yes. Study: VKGL Data-share Consensus. Not counted in ClinVar's aggregate classification.

Diagnostic Laboratory, Department of Genetics, University Medical Center Groningen
Classification: Likely benign. Review status: no assertion criteria provided. Collection method: clinical testing. Allele origin: germline. Affected: yes. Study: VKGL Data-share Consensus. Not counted in ClinVar's aggregate classification.

Laboratory of Diagnostic Genome Analysis, Leiden University Medical Center (LUMC)
Classification: Likely benign. Review status: no assertion criteria provided. Collection method: clinical testing. Allele origin: germline. Affected: yes. Study: VKGL Data-share Consensus. Not counted in ClinVar's aggregate classification.